The following is an entry in ClinVar:

ClinVar aggregate classification (germline): Uncertain significance (1 of 4 stars; one submission).

Submission:

Ambry Genetics
Classification: Uncertain significance. Last evaluated: 2024-09-21. Review status: criteria provided, single submitter. Criteria: Ambry Variant Classification Scheme 2023. Collection method: clinical testing. Allele origin: germline.
Comment: The p.E328D variant (also known as c.984G>C), located in coding exon 3 of the ALPK2 gene, results from a G to C substitution at nucleotide position 984. The glutamic acid at codon 328 is replaced by aspartic acid, an amino acid with highly similar properties. This amino acid position is conserved. In addition, the in silico prediction for this alteration is inconclusive. Since supporting evidence is limited at this time, the clinical significance of this alteration remains unclear.

NM_052947.4(ALPK2):c.984G>C (p.Glu328Asp)

Genes: ALPK2 (alpha kinase 2; minus strand), LOC114803473 (ALPK2 eExon liver enhancer; plus strand). Cytogenetic location: 18q21.31.
Variant type: single nucleotide variant.
Coding change: c.984G>C on transcript NM_052947.4 (MANE Select); coding-DNA position 984, G replaced by C.
Protein change: p.Glu328Asp; replaces glutamic acid 328 with aspartic acid.
Molecular consequence: missense variant.
Genome position (GRCh38, 1-based): chr18:58,579,792, C>G on the plus strand (G>C on the coding strand, the complement: ALPK2 is on the minus strand). VCF-style: chr18-58579792-C-G. GRCh37 (hg19) VCF-style: chr18-56247024-C-G.
Other names: short protein forms E328D.
Identifiers: ClinVar variation 1768394 (VCV001768394.3), dbSNP rs2518899601, ClinGen allele CA402565236.